The following is an entry in ClinVar:

ClinVar aggregate classification (germline): Pathogenic (1 of 4 stars; one submission).

Conditions:
LAMA2-related muscular dystrophy (LAMA2-RD). Also called: Laminin alpha 2-related dystrophy. Identifiers: MedGen C5679788, MONDO:0100228.

Allele frequency attached by ClinVar (database versions not stated): gnomAD exomes below 0.00001.
gnomAD v4.1: 1 of 1,585,536 alleles (0.000063%); highest among the groups gnomAD compares: Non-Finnish European, 0.000087%; no homozygotes.

Submission:

Labcorp Genetics (formerly Invitae), Labcorp
Classification: Pathogenic for LAMA2-related muscular dystrophy. Last evaluated: 2021-10-10. Review status: criteria provided, single submitter. Criteria: Invitae Variant Classification Sherloc (09022015). Collection method: clinical testing. Allele origin: germline.
Comment: For these reasons, this variant has been classified as Pathogenic. Algorithms developed to predict the effect of sequence changes on RNA splicing suggest that this variant may disrupt the consensus splice site. Disruption of this splice site has been observed in individuals with congenital muscular dystrophy (PMID: 28688748). This variant is not present in population databases (ExAC no frequency). This sequence change affects a donor splice site in intron 9 of the LAMA2 gene. It is expected to disrupt RNA splicing. Variants that disrupt the donor or acceptor splice site typically lead to a loss of protein function (PMID: 16199547), and loss-of-function variants in LAMA2 are known to be pathogenic (PMID: 18700894, 32904964).

Literature cited by the submitters: PubMed 28688748; PubMed 16199547; PubMed 18700894; PubMed 32904964.

NM_000426.4(LAMA2):c.1306+1G>T

Gene: LAMA2 (laminin subunit alpha 2; plus strand). Cytogenetic location: 6q22.33.
Variant type: single nucleotide variant.
Coding change: c.1306+1G>T on transcript NM_000426.4 (MANE Select); the canonical splice donor site of the intron after coding-DNA position 1306, G replaced by T.
Molecular consequence: splice donor variant.
Genome position (GRCh38, 1-based): chr6:129,165,676, G>T. VCF-style: chr6-129165676-G-T. GRCh37 (hg19) VCF-style: chr6-129486821-G-T.
Other names: c.1306+1G>T (NM_001079823.2).
Identifiers: ClinVar variation 1386262 (VCV001386262.6), dbSNP rs2114993363, ClinGen allele CA365607378.